The following is an entry in ClinVar:

ClinVar aggregate classification (germline): Uncertain significance (1 of 4 stars; one submission).

Allele frequency attached by ClinVar (database versions not stated): ExAC 0.00002; TOPMed 0.00003; gnomAD 0.00006.
gnomAD v4.1: 18 of 1,613,428 alleles (0.0011%); highest among the groups gnomAD compares: East Asian, 0.0089%; no homozygotes.

Submission:

Labcorp Genetics (formerly Invitae), Labcorp
Classification: Uncertain significance. Last evaluated: 2021-12-08. Review status: criteria provided, single submitter. Criteria: Invitae Variant Classification Sherloc (09022015). Collection method: clinical testing. Allele origin: germline.
Comment: This sequence change replaces isoleucine, which is neutral and non-polar, with threonine, which is neutral and polar, at codon 213 of the AIMP2 protein (p.Ile213Thr). This variant is present in population databases (rs749728733, gnomAD 0.03%). This variant has not been reported in the literature in individuals affected with AIMP2-related conditions. Algorithms developed to predict the effect of missense changes on protein structure and function are either unavailable or do not agree on the potential impact of this missense change (SIFT: "Deleterious"; PolyPhen-2: "Possibly Damaging"; Align-GVGD: "Class C0"). In summary, the available evidence is currently insufficient to determine the role of this variant in disease. Therefore, it has been classified as a Variant of Uncertain Significance.

NM_006303.4(AIMP2):c.638T>C (p.Ile213Thr)

Genes: EIF2AK1 (eukaryotic translation initiation factor 2 alpha kinase 1; minus strand), AIMP2 (aminoacyl tRNA synthetase complex interacting multifunctional protein 2; plus strand). Cytogenetic location: 7p22.1.
Variant type: single nucleotide variant.
Coding change: c.638T>C on transcript NM_006303.4 (MANE Select); coding-DNA position 638, T replaced by C.
Protein change: p.Ile213Thr; replaces isoleucine 213 with threonine.
Molecular consequence: missense variant. On other transcripts: 3 prime UTR variant (2).
Genome position (GRCh38, 1-based): chr7:6,023,366, T>C. VCF-style: chr7-6023366-T-C. GRCh37 (hg19) VCF-style: chr7-6062997-T-C.
Other names: c.*1307A>G (NM_001134335.2, NM_014413.4); c.518T>C, p.Ile173Thr (NM_001326606.2); c.431T>C, p.Ile144Thr (NM_001326607.2); c.404T>C, p.Ile135Thr (NM_001326609.2, NM_001326610.2, NM_001326611.3); c.551T>C, p.Ile184Thr (NM_001362785.2); c.506T>C, p.Ile169Thr (NM_001362787.2); short protein forms I173T, I135T, I144T, I169T, I184T, I213T.
Identifiers: ClinVar variation 2179374 (VCV002179374.4), dbSNP rs749728733, ClinGen allele CA4150438.